The following is an entry in ClinVar:

ClinVar aggregate classification (germline): Uncertain significance (1 of 4 stars; one submission).

Submission:

Labcorp Genetics (formerly Invitae), Labcorp
Classification: Uncertain significance. Last evaluated: 2021-04-21. Review status: criteria provided, single submitter. Criteria: Invitae Variant Classification Sherloc (09022015). Collection method: clinical testing. Allele origin: germline.
Comment: This variant has not been reported in the literature in individuals with DEAF1-related conditions. In summary, the available evidence is currently insufficient to determine the role of this variant in disease. Therefore, it has been classified as a Variant of Uncertain Significance. Experimental studies and prediction algorithms are not available or were not evaluated, and the functional significance of this variant is currently unknown. The frequency data for this variant in the population databases is considered unreliable, as metrics indicate insufficient coverage at this position in the ExAC database. This variant, c.51_86del, results in the deletion of 12 amino acid(s) of the DEAF1 protein (p.Val19_Ala30del), but otherwise preserves the integrity of the reading frame.

NM_021008.4(DEAF1):c.51_86del (p.Val19_Ala30del)

Gene: DEAF1 (DEAF1 transcription factor; minus strand). Cytogenetic location: 11p15.5.
Variant type: Deletion.
Coding change: c.51_86del on transcript NM_021008.4 (MANE Select); coding-DNA positions 51 to 86, 36 bases deleted.
Protein change: p.Val19_Ala30del.
Molecular consequence: inframe deletion. On other transcripts: inframe indel (1), intron variant (1).
Genome position (GRCh38, 1-based): chr11:694,962-694,997, 36 bases deleted; deleting any 36 consecutive bases within chr11:694,962-695,003 gives the same sequence; the c. name uses the placement nearest the transcript's 3' end. GRCh37 (hg19): chr11:694,968-695,003.
Other names: c.45_80del36, p.Val19_Ala30del (NM_001293634.2); c.-437-3399_-437-3364del (NM_001367390.1).
Identifiers: ClinVar variation 2080976 (VCV002080976.4), dbSNP rs982923800, ClinGen allele CA216910924.
Genomic context (GRCh38, chr11:694,961, plus strand): 5'-CTCCGAGTCCTCGTCCCTGCTCAGCACCGGCTCCTCCGCCTCGCCTCCTGCCGCGGCCGC[GGCCGCCGCCGCCACAGCGGCCGCGGCCGCCACCGCC>G]GCCGCCTCAGCCAGGCCCAGCTGCTTTGCCGCCGAGTCCGAGTCCTCCATCCGGACTCCG-3'